The following is an entry in ClinVar:

NM_017780.4(CHD7):c.4353+4A>C

Gene: CHD7 (chromodomain helicase DNA binding protein 7; plus strand). Cytogenetic location: 8q12.2.
Variant type: single nucleotide variant.
Coding change: c.4353+4A>C on transcript NM_017780.4 (MANE Select); 4 bases into the intron after coding-DNA position 4353, A replaced by C.
Molecular consequence: intron variant.
Genome position (GRCh38, 1-based): chr8:60,837,839, A>C. VCF-style: chr8-60837839-A-C. GRCh37 (hg19) VCF-style: chr8-61750398-A-C.
Other names: c.1717-24390A>C (NM_001316690.1).
Identifiers: ClinVar variation 1034470 (VCV001034470.6), dbSNP rs1804804691, ClinGen allele CA1788115574.

ClinVar aggregate classification (germline): Uncertain significance (1 of 4 stars; one submission).

Conditions:
CHARGE syndrome (CHARGE). Also called: Hittner Hirsch Kreh syndrome; Coloboma, heart anomaly, choanal atresia, retardation, genital and ear anomalies; CHARGE association; Hall-Hittner syndrome; CHARGE ASSOCIATION--COLOBOMA, HEART ANOMALY, CHOANAL ATRESIA, RETARDATION, GENITAL AND EAR ANOMALIES. Identifiers: Orphanet 138, MedGen C0265354, MONDO:0008965.

Submission:

Labcorp Genetics (formerly Invitae), Labcorp
Classification: Uncertain significance for CHARGE syndrome. Last evaluated: 2023-07-03. Review status: criteria provided, single submitter. Criteria: Invitae Variant Classification Sherloc (09022015). Collection method: clinical testing. Allele origin: germline.
Comment: In summary, the available evidence is currently insufficient to determine the role of this variant in disease. Therefore, it has been classified as a Variant of Uncertain Significance. Variants that disrupt the consensus splice site are a relatively common cause of aberrant splicing (PMID: 17576681, 9536098). Algorithms developed to predict the effect of sequence changes on RNA splicing suggest that this variant may disrupt the consensus splice site. This sequence change falls in intron 18 of the CHD7 gene. It does not directly change the encoded amino acid sequence of the CHD7 protein. It affects a nucleotide within the consensus splice site. This variant is not present in population databases (gnomAD no frequency). This variant has not been reported in the literature in individuals affected with CHD7-related conditions. ClinVar contains an entry for this variant (Variation ID: 1034470).

Literature cited by the submitters: PubMed 17576681; PubMed 9536098.